The following is an entry in ClinVar:

NM_024537.4(CARS2):c.1531G>A (p.Ala511Thr)

Gene: CARS2 (cysteinyl-tRNA synthetase 2, mitochondrial; minus strand). Cytogenetic location: 13q34.
Variant type: single nucleotide variant.
Coding change: c.1531G>A on transcript NM_024537.4 (MANE Select); coding-DNA position 1531, G replaced by A.
Protein change: p.Ala511Thr; replaces alanine 511 with threonine.
Molecular consequence: missense variant. On other transcripts: non-coding transcript variant (2).
Genome position (GRCh38, 1-based): chr13:110,642,407, C>T on the plus strand (G>A on the coding strand, the complement: CARS2 is on the minus strand). VCF-style: chr13-110642407-C-T. GRCh37 (hg19) VCF-style: chr13-111294754-C-T.
Other names: p.Ala511Thr; c.745G>A, p.Ala249Thr (NM_001352252.2); short protein forms A511T, A249T.
Identifiers: ClinVar variation 386020 (VCV000386020.40), dbSNP rs147216443, ClinGen allele CA7051617.
Genomic context (GRCh38, chr13:110,642,407, plus strand): 5'-GGCGCAGGGTGTCGCATGCTTCCAGCAGGGGCTGCCTTTCTAGGAGCTGCTGCCGCCGGG[C>T]GTCCCCCGTGGCCTCGGGCATGGCCAGCGCAAACTGCCGGACCTTCTGCCGGAACCGCAC-3'
Protein context (NP_078813.1, residues 501-521): ALAMPEATGD[Ala511Thr]RRQQLLERQP

ClinVar aggregate classification (germline): Benign/Likely benign. Review status: criteria provided, multiple submitters, no conflicts (2 of 4 stars). 7 submissions from 7 submitters: Benign (2); Likely benign (4). 1 of the submissions does not count toward it. Last evaluated 2026-05-01.

Conditions:
Combined oxidative phosphorylation defect type 27. Also called: Combined oxidative phosphorylation deficiency 27. Identifiers: Orphanet 477774, MedGen C5567608, MONDO:0014728, OMIM 616672.
CARS2-related disorder. Also called: CARS2-related condition.

Allele frequency attached by ClinVar (database versions not stated): ESP Exome Variant Server 0.00046; TOPMed 0.00054; 1000 Genomes Project 30x 0.00078; 1000 Genomes Project 0.00100; gnomAD exomes 0.00108 and 0.00147; gnomAD 0.00159 and 0.00166; ExAC 0.00223.
gnomAD v4.1: 1,778 of 1,585,428 alleles (0.11%); highest among the groups gnomAD compares: Non-Finnish European, 0.094%; 7 homozygotes.

Submissions (7):

CeGaT Center for Human Genetics Tuebingen
Classification: Likely benign. Last evaluated: 2026-05-01. Review status: criteria provided, single submitter. Criteria: CeGaT Center For Human Genetics Tuebingen Variant Classification Criteria Version 2. Collection method: clinical testing. Allele origin: germline. Affected: yes. Observed: 5 variant alleles.
Comment: CARS2: BP4, BS2

Labcorp Genetics (formerly Invitae), Labcorp
Classification: Benign for Combined oxidative phosphorylation defect type 27. Last evaluated: 2026-01-19. Review status: criteria provided, single submitter. Criteria: Invitae Variant Classification Sherloc (09022015). Collection method: clinical testing. Allele origin: germline.

Blueprint Genetics
Classification: Likely benign. Last evaluated: 2024-11-24. Review status: criteria provided, single submitter. Criteria: ACMG Guidelines, 2015. Collection method: clinical testing. Allele origin: germline.

Mayo Clinic Laboratories, Mayo Clinic
Classification: Benign. Last evaluated: 2024-01-26. Review status: criteria provided, single submitter. Criteria: ACMG Guidelines, 2015. Collection method: clinical testing. Allele origin: germline. Observed: 4 variant alleles.
Comment: BS1, BS2, BP4

Fulgent Genetics
Classification: Likely benign for Combined oxidative phosphorylation defect type 27. Last evaluated: 2022-01-17. Review status: criteria provided, single submitter. Criteria: ACMG Guidelines, 2015. Collection method: clinical testing. Allele origin: unknown.

GeneDx
Classification: Likely benign. Last evaluated: 2020-12-02. Review status: criteria provided, single submitter. Criteria: GeneDx Variant Classification Process June 2021. Collection method: clinical testing. Allele origin: germline. Affected: yes.

PreventionGenetics, part of Exact Sciences
Classification: Likely benign for CARS2-related condition. Last evaluated: 2020-03-09. Review status: no assertion criteria provided. Collection method: clinical testing. Allele origin: germline. Not counted in ClinVar's aggregate classification.
Comment: This variant is classified as likely benign based on ACMG/AMP sequence variant interpretation guidelines (Richards et al. 2015 PMID: 25741868, with internal and published modifications).